The following is an entry in ClinVar:

ClinVar aggregate classification (germline): Likely benign. Review status: criteria provided, multiple submitters, no conflicts (2 of 4 stars). 2 submissions from 2 submitters: Likely benign (2). Last evaluated 2026-02-01.

Conditions:
Epidermolysis bullosa simplex 5B, with muscular dystrophy (EBS5B). Also called: Epidermolysis bullosa simplex with muscular dystrophy; EPIDERMOLYSIS BULLOSA SIMPLEX AND LIMB-GIRDLE MUSCULAR DYSTROPHY. Identifiers: Orphanet 257, MedGen C2931072, MONDO:0009181, OMIM 226670.
Epidermolysis bullosa simplex, Ogna type (EBS5A). Also called: Pidermolysis bullosa simplex 5A, Ogna type; EPIDERMOLYSIS BULLOSA SIMPLEX 5A, OGNA TYPE. Identifiers: Orphanet 79401, MedGen C0432317, MONDO:0007555, OMIM 131950.
Epidermolysis bullosa simplex 5C, with pyloric atresia (EBS5C). Also called: PLEC-Related Epidermolysis Bullosa with Pyloric Atresia; Epidermolysis bullosa simplex with pyloric atresia; PLEC1-Related Epidermolysis Bullosa with Pyloric Atresia. Identifiers: Orphanet 158684, MedGen C2677349, MONDO:0012807, OMIM 612138.
Epidermolysis bullosa simplex with nail dystrophy (EBS5D). Identifiers: MedGen C4225309, MONDO:0014661, OMIM 616487.
Autosomal recessive limb-girdle muscular dystrophy type 2Q (LGMDR17). Also called: MUSCULAR DYSTROPHY, LIMB-GIRDLE, AUTOSOMAL RECESSIVE 17. Identifiers: Orphanet 254361, MedGen C3150989, MONDO:0013390, OMIM 613723.

Allele frequency attached by ClinVar (database versions not stated): ExAC below 0.00001; gnomAD 0.00001 and 0.00002; TOPMed 0.00003; gnomAD exomes 0.00005; 1000 Genomes Project 0.00020; 1000 Genomes Project 30x 0.00031.
gnomAD v4.1: 70 of 1,548,938 alleles (0.0045%); highest among the groups gnomAD compares: Admixed American, 0.0094%; no homozygotes.

Submissions (2):

CeGaT Center for Human Genetics Tuebingen
Classification: Likely benign. Last evaluated: 2026-02-01. Review status: criteria provided, single submitter. Criteria: CeGaT Center For Human Genetics Tuebingen Variant Classification Criteria Version 2. Collection method: clinical testing. Allele origin: germline. Affected: yes. Observed: 1 variant allele.
Comment: PLEC: BP4, BP7

Labcorp Genetics (formerly Invitae), Labcorp
Classification: Likely benign for Autosomal recessive limb-girdle muscular dystrophy type 2Q; Epidermolysis bullosa simplex, Ogna type; Epidermolysis bullosa simplex with nail dystrophy; Epidermolysis bullosa simplex 5C, with pyloric atresia; Epidermolysis bullosa simplex 5B, with muscular dystrophy. Last evaluated: 2025-09-04. Review status: criteria provided, single submitter. Criteria: Invitae Variant Classification Sherloc (09022015). Collection method: clinical testing. Allele origin: germline.

NM_201384.3(PLEC):c.5334G>A (p.Ser1778=)

Gene: PLEC (plectin; minus strand). Cytogenetic location: 8q24.3.
Variant type: single nucleotide variant.
Coding change: c.5334G>A on transcript NM_201384.3 (MANE Select); coding-DNA position 5334, G replaced by A.
Protein change: p.Ser1778=; no amino-acid change (serine 1778 retained).
Molecular consequence: synonymous variant.
Genome position (GRCh38, 1-based): chr8:143,924,595, C>T on the plus strand (G>A on the coding strand, the complement: PLEC is on the minus strand). VCF-style: chr8-143924595-C-T. GRCh37 (hg19) VCF-style: chr8-144998763-C-T.
Other names: c.5415G>A, p.Ser1805= (NM_000445.5); c.5292G>A, p.Ser1764= (NM_201378.4); c.5268G>A, p.Ser1756= (NM_201379.3); c.5745G>A, p.Ser1915= (NM_201380.4); c.5238G>A, p.Ser1746= (NM_201381.3); c.5334G>A, p.Ser1778= (NM_201382.4); c.5346G>A, p.Ser1782= (NM_201383.3).
Identifiers: ClinVar variation 772012 (VCV000772012.14), dbSNP rs533622449, ClinGen allele CA4926387.
Genomic context (GRCh38, chr8:143,924,595, plus strand): 5'-CTCGCGGAACCGGCCGGCCTCGGCCTCCAGCCTCTGCTTGGACTTCTCGCTGGTGGAGCG[C>T]GACTCCTCCTCAGCCCTCGCCTTGCTGGCCAGCAGCACCTCCATCTCGGCCCGCACCTTG-3'
Protein context (NP_958786.1, residues 1768-1788): LASKARAEEE[Ser1778=]RSTSEKSKQR